The following is an entry in ClinVar:

NM_000268.4(NF2):c.1092A>T (p.Lys364Asn)

Gene: NF2 (NF2, moesin-ezrin-radixin like (MERLIN) tumor suppressor; plus strand). Cytogenetic location: 22q12.2.
Variant type: single nucleotide variant.
Coding change: c.1092A>T on transcript NM_000268.4 (MANE Select); coding-DNA position 1092, A replaced by T.
Protein change: p.Lys364Asn; replaces lysine 364 with asparagine.
Molecular consequence: missense variant. On other transcripts: non-coding transcript variant (1), intron variant (1).
Genome position (GRCh38, 1-based): chr22:29,671,918, A>T. VCF-style: chr22-29671918-A-T. GRCh37 (hg19) VCF-style: chr22-30067907-A-T.
Other names: c.1092A>T, p.Lys364Asn (NM_016418.5, NM_181825.3, NM_181832.3); c.966A>T, p.Lys322Asn (NM_181828.3); c.969A>T, p.Lys323Asn (NM_181829.3); c.843A>T, p.Lys281Asn (NM_181830.3, NM_181831.3); c.448-22834A>T (NM_181833.3); short protein forms K364N, K322N, K281N, K323N.
Identifiers: ClinVar variation 822147 (VCV000822147.11), dbSNP rs1601644296, ClinGen allele CA411147101.

ClinVar aggregate classification (germline): Uncertain significance. Review status: criteria provided, multiple submitters, no conflicts (2 of 4 stars). 4 submissions from 4 submitters: Uncertain significance (4). Last evaluated 2025-05-31.

Conditions:
Neurofibromatosis, type 2 (SWNV). Also called: BILATERAL ACOUSTIC NEUROFIBROMATOSIS; SCHWANNOMATOSIS, VESTIBULAR; NF2-Related Schwannomatosis. Identifiers: Orphanet 637, MedGen C0027832, MONDO:0007039, OMIM 101000. Disease mechanism: loss of function.
Hereditary cancer-predisposing syndrome. Also called: Tumor predisposition; Hereditary Cancer Syndrome; Hereditary neoplastic syndrome; Neoplastic Syndromes, Hereditary. Identifiers: Orphanet 140162, MedGen C0027672, MeSH D009386, MONDO:0015356.

Allele frequency attached by ClinVar (database versions not stated): gnomAD exomes below 0.00001.
gnomAD v4.1: 3 of 1,614,220 alleles (0.00019%); highest among the groups gnomAD compares: Non-Finnish European, 0.00025%; no homozygotes.

Submissions (4):

Ambry Genetics
Classification: Uncertain significance for Hereditary cancer-predisposing syndrome. Last evaluated: 2025-05-31. Review status: criteria provided, single submitter. Criteria: Ambry Variant Classification Scheme 2023. Collection method: clinical testing. Allele origin: germline.
Comment: The p.K364N variant (also known as c.1092A>T), located in coding exon 11 of the NF2 gene, results from an A to T substitution at nucleotide position 1092. The lysine at codon 364 is replaced by asparagine, an amino acid with similar properties. This amino acid position is not well conserved in available vertebrate species. In addition, this alteration is predicted to be tolerated by in silico analysis. Since supporting evidence is limited at this time, the clinical significance of this alteration remains unclear.

All of Us Research Program, National Institutes of Health
Classification: Uncertain significance for Neurofibromatosis, type 2. Last evaluated: 2023-12-18. Review status: criteria provided, single submitter. Criteria: ACMG Guidelines, 2015. Collection method: clinical testing. Allele origin: germline. Inheritance: Autosomal dominant inheritance. Observed: 1 variant allele, 1 heterozygote.
Comment: This missense variant replaces lysine with asparagine at codon 364 of the NF2 protein. Computational prediction suggests that this variant may not impact protein structure and function (internally defined REVEL score threshold <= 0.5, PMID: 27666373). To our knowledge, functional studies have not been reported for this variant. This variant has not been reported in individuals affected with NF2-related disorders in the literature. This variant has not been identified in the general population by the Genome Aggregation Database (gnomAD). The available evidence is insufficient to determine the role of this variant in disease conclusively. Therefore, this variant is classified as a Variant of Uncertain Significance.

This study involves interpretation of variants in research participants for the purpose of population health screening. Participant phenotype was not available at the time of variant classification. Additional details can be found in publication PMID: 35346344, PMCID: PMC8962531

Color Diagnostics, LLC DBA Color Health
Classification: Uncertain significance for Neurofibromatosis, type 2. Last evaluated: 2023-11-28. Review status: criteria provided, single submitter. Criteria: ACMG Guidelines, 2015. Collection method: clinical testing. Allele origin: germline.
Comment: This missense variant replaces lysine with asparagine at codon 364 of the NF2 protein. Computational prediction suggests that this variant may not impact protein structure and function. To our knowledge, functional studies have not been reported for this variant. This variant has not been reported in individuals affected with NF2-related disorders in the literature. This variant has not been identified in the general population by the Genome Aggregation Database (gnomAD). The available evidence is insufficient to determine the role of this variant in disease conclusively. Therefore, this variant is classified as a Variant of Uncertain Significance.

Labcorp Genetics (formerly Invitae), Labcorp
Classification: Uncertain significance for Neurofibromatosis, type 2. Last evaluated: 2022-09-24. Review status: criteria provided, single submitter. Criteria: Invitae Variant Classification Sherloc (09022015). Collection method: clinical testing. Allele origin: germline.
Comment: In summary, the available evidence is currently insufficient to determine the role of this variant in disease. Therefore, it has been classified as a Variant of Uncertain Significance. Advanced modeling of protein sequence and biophysical properties (such as structural, functional, and spatial information, amino acid conservation, physicochemical variation, residue mobility, and thermodynamic stability) performed at Invitae indicates that this missense variant is not expected to disrupt NF2 protein function. ClinVar contains an entry for this variant (Variation ID: 822147). This variant has not been reported in the literature in individuals affected with NF2-related conditions. This variant is not present in population databases (gnomAD no frequency). This sequence change replaces lysine, which is basic and polar, with asparagine, which is neutral and polar, at codon 364 of the NF2 protein (p.Lys364Asn).